The following is an entry in ClinVar:

ClinVar aggregate classification (germline): Uncertain significance (1 of 4 stars; one submission).

Conditions:
Congenital disorder of deglycosylation (CDDG). Identifiers: MedGen C3808991, MONDO:0031376.

gnomAD v4.1: 1 of 1,614,102 alleles (0.000062%); highest among the groups gnomAD compares: Non-Finnish European, 0.000085%; no homozygotes.

Submission:

Labcorp Genetics (formerly Invitae), Labcorp
Classification: Uncertain significance for Congenital disorder of deglycosylation. Last evaluated: 2022-05-20. Review status: criteria provided, single submitter. Criteria: Invitae Variant Classification Sherloc (09022015). Collection method: clinical testing. Allele origin: germline.
Comment: This sequence change replaces serine, which is neutral and polar, with alanine, which is neutral and non-polar, at codon 124 of the NGLY1 protein (p.Ser124Ala). This variant is not present in population databases (gnomAD no frequency). This variant has not been reported in the literature in individuals affected with NGLY1-related conditions. ClinVar contains an entry for this variant (Variation ID: 1022460). Algorithms developed to predict the effect of missense changes on protein structure and function (SIFT, PolyPhen-2, Align-GVGD) all suggest that this variant is likely to be tolerated. In summary, the available evidence is currently insufficient to determine the role of this variant in disease. Therefore, it has been classified as a Variant of Uncertain Significance.

NM_018297.4(NGLY1):c.370T>G (p.Ser124Ala)

Gene: NGLY1 (N-glycanase 1; minus strand). Cytogenetic location: 3p24.2.
Variant type: single nucleotide variant.
Coding change: c.370T>G on transcript NM_018297.4 (MANE Select); coding-DNA position 370, T replaced by G.
Protein change: p.Ser124Ala; replaces serine 124 with alanine.
Molecular consequence: missense variant.
Genome position (GRCh38, 1-based): chr3:25,764,188, A>C on the plus strand (T>G on the coding strand, the complement: NGLY1 is on the minus strand). VCF-style: chr3-25764188-A-C. GRCh37 (hg19) VCF-style: chr3-25805679-A-C.
Other names: c.370T>G, p.Ser124Ala (NM_001145293.2, NM_001145295.2); c.244T>G, p.Ser82Ala (NM_001145294.2); short protein forms S124A, S82A.
Identifiers: ClinVar variation 1022460 (VCV001022460.2), dbSNP rs1486033521, ClinGen allele CA351909057.